The following is an entry in ClinVar:

NM_001349206.2(LPIN1):c.*682G>C

Gene: LPIN1 (lipin 1; plus strand). Cytogenetic location: 2p25.1.
Variant type: single nucleotide variant.
Coding change: c.*682G>C on transcript NM_001349206.2 (MANE Select); 682 bases downstream of the stop codon, G replaced by C.
Molecular consequence: 3 prime UTR variant. On other transcripts: non-coding transcript variant (1).
Genome position (GRCh38, 1-based): chr2:11,825,473, G>C. VCF-style: chr2-11825473-G-C. GRCh37 (hg19) VCF-style: chr2-11965599-G-C.
Other names: c.*682G>C (NM_001261427.3, NM_001261428.3, NM_001349199.2 and 9 more transcripts).
Identifiers: ClinVar variation 894531 (VCV000894531.4), dbSNP rs183367696, ClinGen allele CA42598156.

ClinVar aggregate classification (germline): Benign (1 of 4 stars; one submission).

Conditions:
Myoglobinuria, acute recurrent, autosomal recessive. Also called: Myoglobinuria, recurrent, autosomal recessive; MYOGLOBINURIA, FAMILIAL PAROXYSMAL PARALYTIC; RHABDOMYOLYSIS, ACUTE RECURRENT. Identifiers: Orphanet 99845, MedGen C1849386, MONDO:0009992, OMIM 268200.

Allele frequency attached by ClinVar (database versions not stated): gnomAD 0.00182 and 0.00193; TOPMed 0.00192; 1000 Genomes Project 0.00300; 1000 Genomes Project 30x 0.00312.

Submission:

Illumina Laboratory Services, Illumina
Classification: Benign for Myoglobinuria, acute recurrent, autosomal recessive. Last evaluated: 2017-04-27. Review status: criteria provided, single submitter. Criteria: ICSL Variant Classification Criteria 13 December 2019. Collection method: clinical testing. Allele origin: germline.
Comment: This variant was observed as part of a predisposition screen in an ostensibly healthy population. A literature search was performed for the gene, cDNA change, and amino acid change (where applicable). No publications were found based on this search. Allele frequency data from public databases was too high to be consistent with this variant causing disease. Therefore, this variant is classified as benign.